The following is an entry in ClinVar:

ClinVar aggregate classification (germline): Pathogenic. Review status: criteria provided, multiple submitters, no conflicts (2 of 4 stars). 3 submissions from 3 submitters: Pathogenic (2). 1 of the submissions does not count toward it. Last evaluated 2024-03-14.

Conditions:
Woodhouse-Sakati syndrome. Also called: EXTRAPYRAMIDAL DISORDER, PROGRESSIVE, WITH PRIMARY HYPOGONADISM, MENTAL RETARDATION, AND ALOPECIA; Hypogonadism, Alopecia, Diabetes Mellitus, Mental Retardation, and Extrapyramidal Syndrome; Hypogonadism, diabetes mellitus, alopecia, mental retardation and electrocardiographic abnormalities. Identifiers: Orphanet 3464, MedGen C0342286, MONDO:0009419, OMIM 241080.

Allele frequency attached by ClinVar (database versions not stated): gnomAD exomes below 0.00001; TOPMed below 0.00001; gnomAD 0.00001.
gnomAD v4.1: 4 of 1,612,622 alleles (0.00025%); highest among the groups gnomAD compares: Non-Finnish European, 0.00034%; no homozygotes.

Submissions (3):

Genomic Medicine Center of Excellence, King Faisal Specialist Hospital and Research Centre
Classification: Pathogenic for Woodhouse-Sakati syndrome. Last evaluated: 2024-03-14. Review status: criteria provided, single submitter. Criteria: ACMG Guidelines, 2015. Collection method: research. Allele origin: germline.

Labcorp Genetics (formerly Invitae), Labcorp
Classification: Pathogenic for Woodhouse-Sakati syndrome. Last evaluated: 2023-03-18. Review status: criteria provided, single submitter. Criteria: Invitae Variant Classification Sherloc (09022015). Collection method: clinical testing. Allele origin: germline.
Comment: For these reasons, this variant has been classified as Pathogenic. ClinVar contains an entry for this variant (Variation ID: 31580). This premature translational stop signal has been observed in individual(s) with Woodhouse–Sakati syndrome (PMID: 20507343). This variant is not present in population databases (gnomAD no frequency). This sequence change creates a premature translational stop signal (p.Trp129*) in the DCAF17 gene. It is expected to result in an absent or disrupted protein product. Loss-of-function variants in DCAF17 are known to be pathogenic (PMID: 19026396, 20507343).

OMIM
Classification: Pathogenic for WOODHOUSE-SAKATI SYNDROME. Last evaluated: 2010-12-01. Review status: no assertion criteria provided. Collection method: literature only. Allele origin: germline. Not counted in ClinVar's aggregate classification.

Literature cited by the submitters: PubMed 20507343 (cited by Labcorp Genetics (formerly Invitae), Labcorp and OMIM); PubMed 19026396 (cited by Labcorp Genetics (formerly Invitae), Labcorp).

NM_025000.4(DCAF17):c.387G>A (p.Trp129Ter)

Gene: DCAF17 (DDB1 and CUL4 associated factor 17; plus strand). Cytogenetic location: 2q31.1.
Variant type: single nucleotide variant.
Coding change: c.387G>A on transcript NM_025000.4 (MANE Select); coding-DNA position 387, G replaced by A.
Protein change: p.Trp129Ter; replaces tryptophan 129 with a stop codon.
Molecular consequence: nonsense. On other transcripts: non-coding transcript variant (1).
Genome position (GRCh38, 1-based): chr2:171,448,746, G>A. VCF-style: chr2-171448746-G-A. GRCh37 (hg19) VCF-style: chr2-172305256-G-A.
Other names: c.387G>A, p.Trp129Ter (NM_001164821.2); short protein forms W129*.
Identifiers: ClinVar variation 31580 (VCV000031580.7), dbSNP rs1559264135, ClinGen allele CA349276691.